The following is an entry in ClinVar:

NM_020719.3(PRR12):c.3398C>T (p.Ala1133Val)

Gene: PRR12 (proline rich 12; plus strand). Cytogenetic location: 19q13.33.
Variant type: single nucleotide variant.
Coding change: c.3398C>T on transcript NM_020719.3 (MANE Select); coding-DNA position 3398, C replaced by T.
Protein change: p.Ala1133Val; replaces alanine 1133 with valine.
Molecular consequence: missense variant.
Genome position (GRCh38, 1-based): chr19:49,597,733, C>T. VCF-style: chr19-49597733-C-T. GRCh37 (hg19) VCF-style: chr19-50100990-C-T.
Other names: c.3398C>T (NM_020719.2); short protein forms A1133V.
Identifiers: ClinVar variation 3219290 (VCV003219290.2), dbSNP rs367978963, ClinGen allele CA9578290.

ClinVar aggregate classification (germline): Likely benign. Review status: criteria provided, multiple submitters, no conflicts (2 of 4 stars). 2 submissions from 2 submitters: Likely benign (2). Last evaluated 2025-02-18.

Conditions:
Inborn genetic diseases. Identifiers: MedGen C0950123, MeSH D030342.
PRR12-related disorder. Also called: PRR12-related condition.

Allele frequency attached by ClinVar (database versions not stated): ESP Exome Variant Server 0.00008; ExAC 0.00018; gnomAD 0.00038; 1000 Genomes Project 0.00100; TOPMed 0.00121; 1000 Genomes Project 30x 0.00141.
gnomAD v4.1: 142 of 1,608,300 alleles (0.0088%); highest among the groups gnomAD compares: Admixed American, 0.14%; no homozygotes.

Submissions (2):

PreventionGenetics, part of Exact Sciences
Classification: Likely benign for PRR12-related condition. Last evaluated: 2025-02-18. Review status: criteria provided, single submitter. Criteria: ACMG Guidelines, 2015. Collection method: clinical testing. Allele origin: germline.
Comment: This variant is classified as likely benign based on ACMG/AMP sequence variant interpretation guidelines (Richards et al. 2015 PMID: 25741868, with internal and published modifications).

Ambry Genetics
Classification: Likely benign for Inborn genetic diseases. Last evaluated: 2024-01-17. Review status: criteria provided, single submitter. Criteria: Ambry Variant Classification Scheme 2023. Collection method: clinical testing. Allele origin: germline.